The following is an entry in ClinVar:

ClinVar aggregate classification (germline): Uncertain significance (1 of 4 stars; one submission).

Conditions:
Cardiovascular phenotype. Identifiers: MedGen CN230736.

Submission:

Ambry Genetics
Classification: Uncertain significance for Cardiovascular phenotype. Last evaluated: 2026-01-25. Review status: criteria provided, single submitter. Criteria: Ambry Variant Classification Scheme 2023. Collection method: clinical testing. Allele origin: germline.
Comment: The p.G261S variant (also known as c.781G>A), located in coding exon 1 of the ZNF469 gene, results from a G to A substitution at nucleotide position 781. The glycine at codon 261 is replaced by serine, an amino acid with similar properties. This amino acid position is conserved. In addition, this alteration is predicted to be tolerated by in silico analysis. Based on the available evidence, the clinical significance of this variant remains unclear.

NM_001127464.1:c.781G>A

Gene: ZNF469 (zinc finger protein 469; plus strand).
Variant type: single nucleotide variant.
Identifiers: ClinVar variation 4845004 (VCV004845004.1).